The following is an entry in ClinVar:

ClinVar aggregate classification (germline): Uncertain significance (1 of 4 stars; one submission).

Conditions:
Cardiovascular phenotype. Identifiers: MedGen CN230736.

Submission:

Ambry Genetics
Classification: Uncertain significance for Cardiovascular phenotype. Last evaluated: 2026-03-12. Review status: criteria provided, single submitter. Criteria: Ambry Variant Classification Scheme 2023. Collection method: clinical testing. Allele origin: germline.
Comment: The p.A2350T variant (also known as c.7048G>A), located in coding exon 42 of the FLNC gene, results from a G to A substitution at nucleotide position 7048. The alanine at codon 2350 is replaced by threonine, an amino acid with similar properties. This amino acid position is conserved. In addition, the in silico prediction for this alteration is inconclusive. Based on the available evidence, the clinical significance of this variant remains unclear.

NM_001458.5(FLNC):c.7048G>A (p.Ala2350Thr)

Genes: FLNC (filamin C; plus strand), FLNC-AS1 (FLNC antisense RNA 1; minus strand). Cytogenetic location: 7q32.1.
Variant type: single nucleotide variant.
Coding change: c.7048G>A on transcript NM_001458.5 (MANE Select); coding-DNA position 7048, G replaced by A.
Protein change: p.Ala2350Thr; replaces alanine 2350 with threonine.
Molecular consequence: missense variant.
Genome position (GRCh38, 1-based): chr7:128,854,825, G>A. VCF-style: chr7-128854825-G-A. GRCh37 (hg19) VCF-style: chr7-128494879-G-A.
Other names: c.6949G>A, p.Ala2317Thr (NM_001127487.2); short protein forms A2317T, A2350T.
Identifiers: ClinVar variation 4826689 (VCV004826689.1).